The following is an entry in ClinVar:

ClinVar aggregate classification (germline): Likely pathogenic. Review status: criteria provided, multiple submitters, no conflicts (2 of 4 stars). 4 submissions from 4 submitters: Likely pathogenic (3). 1 of the submissions does not count toward it. Last evaluated 2024-01-02.

Conditions:
Neuromuscular disease. Also called: Neuromuscular disorder; Neuromyopathy. Identifiers: Orphanet 68381, MedGen C0027868, MeSH D009468, MONDO:0019056.
Autosomal recessive limb-girdle muscular dystrophy type 2F (LGMDR6). Also called: MUSCULAR DYSTROPHY, LIMB-GIRDLE, AUTOSOMAL RECESSIVE 6; Muscular dystrophy limb-girdle with delta-sarcoglyan deficiency. Identifiers: Orphanet 219, MedGen C1832525, MONDO:0011028, OMIM 601287. Disease mechanism: Affects gamma-sarcoglycan and also disrupts the integrity of the entire sarcoglycan complex..
Dilated cardiomyopathy 1L (CMD1L). Identifiers: Orphanet 154, MedGen C1847667, MONDO:0011702, OMIM 606685.

Allele frequency attached by ClinVar (database versions not stated): TOPMed below 0.00001.

Submissions (4):

Labcorp Genetics (formerly Invitae), Labcorp
Classification: Likely pathogenic for Autosomal recessive limb-girdle muscular dystrophy type 2F. Last evaluated: 2024-01-02. Review status: criteria provided, single submitter. Criteria: Invitae Variant Classification Sherloc (09022015). Collection method: clinical testing. Allele origin: germline.
Comment: This sequence change affects a donor splice site in intron 4 of the SGCD gene. It is expected to disrupt RNA splicing. Variants that disrupt the donor or acceptor splice site typically lead to a loss of protein function (PMID: 16199547), and loss-of-function variants in SGCD are known to be pathogenic (PMID: 8841194, 10735275, 10838250). This variant is not present in population databases (gnomAD no frequency). This variant has not been reported in the literature in individuals affected with SGCD-related conditions. ClinVar contains an entry for this variant (Variation ID: 165232). Algorithms developed to predict the effect of sequence changes on RNA splicing suggest that this variant may disrupt the consensus splice site. In summary, the currently available evidence indicates that the variant is pathogenic, but additional data are needed to prove that conclusively. Therefore, this variant has been classified as Likely Pathogenic.

Genome-Nilou Lab
Classification: Likely pathogenic for Autosomal recessive limb-girdle muscular dystrophy type 2F. Last evaluated: 2023-02-08. Review status: criteria provided, single submitter. Criteria: ACMG Guidelines, 2015. Collection method: clinical testing. Allele origin: germline.

Laboratory for Molecular Medicine, Mass General Brigham Personalized Medicine
Classification: Likely pathogenic for Neuromuscular Diseases. Last evaluated: 2014-09-29. Review status: criteria provided, single submitter. Criteria: LMM Criteria. Collection method: clinical testing. Allele origin: germline. Inheritance: Autosomal recessive inheritance. Observed: 1 variant allele.
Comment: The 294+1G>A variant in SGCD has not been previously reported in individuals wit h cardiomyopathy or myopathy and was absent from large population studies. This variant occurs in the invariant region (+/- 1,2) of the splice consensus sequenc e and is predicted to cause altered splicing leading to an abnormal or absent pr otein. Homozygous LOF variants in the SGCD gene have been reported in autosomal recessive Limb-Girdle muscular dystrophy (LGMD; OMIM, Human Gene Mutation Databa se). The clinical significance of a heterozygous LOF variant for DCM in the abse nce of muscular dystrophy is unknown. In summary, although additional studies ar e required to fully establish its clinical significance, the 294+1G>A variant is likely pathogenic for Limb-Girdle muscular dystrophy in an autosomal recessive manner.

Counsyl
Classification: Likely pathogenic for Dilated cardiomyopathy 1L; Autosomal recessive limb-girdle muscular dystrophy type 2F. Last evaluated: 2018-03-19. Review status: no assertion criteria provided. Collection method: clinical testing. Allele origin: unknown. Not counted in ClinVar's aggregate classification.

Literature cited by the submitters: PubMed 16199547 (cited by Labcorp Genetics (formerly Invitae), Labcorp); PubMed 8841194 (cited by Labcorp Genetics (formerly Invitae), Labcorp); PubMed 10735275 (cited by Labcorp Genetics (formerly Invitae), Labcorp); PubMed 10838250 (cited by Labcorp Genetics (formerly Invitae), Labcorp).

NM_000337.6(SGCD):c.294+1G>A

Gene: SGCD (sarcoglycan delta; plus strand). Cytogenetic location: 5q33.3.
Variant type: single nucleotide variant.
Coding change: c.294+1G>A on transcript NM_000337.6 (MANE Select); the canonical splice donor site of the intron after coding-DNA position 294, G replaced by A.
Molecular consequence: splice donor variant.
Genome position (GRCh38, 1-based): chr5:156,508,703, G>A. VCF-style: chr5-156508703-G-A. GRCh37 (hg19) VCF-style: chr5-155935713-G-A.
Other names: c.291+1G>A (NM_001128209.2); c.294+1G>A (NM_172244.3).
Identifiers: ClinVar variation 165232 (VCV000165232.10), dbSNP rs727503422, ClinGen allele CA346112.